The following is an entry in ClinVar:

ClinVar aggregate classification (germline): Uncertain significance. Review status: reviewed by expert panel (3 of 4 stars). 3 submissions from 3 submitters: Uncertain significance (1). 2 of the submissions do not count toward it. Last evaluated 2024-12-03.

Conditions:
RASopathy. Also called: Noonan spectrum disorder; rasopathies. Identifiers: Orphanet 536391, MedGen C5555857, MONDO:0021060.

Allele frequency attached by ClinVar (database versions not stated): TOPMed below 0.00001; ExAC 0.00006.

Submissions (3):

ClinGen RASopathy Variant Curation Expert Panel
Classification: Uncertain significance for RASopathy. Last evaluated: 2024-12-03. Review status: reviewed by expert panel. Criteria: ClinGen RASopathy ACMG Specifications NRAS V2.3.0. Collection method: curation. Allele origin: germline. Inheritance: Autosomal dominant inheritance.
Comment: The NM_002524.5:c.272C>T variant in NRAS is a missense variant predicted to cause substitution of alanine by valine at amino acid 91 (p.Ala91Val). The highest population minor allele frequency in gnomAD v2.1.1 is 0.00006392 (5/30616 alleles) in the South Asian population. The computational predictor REVEL gives a score of 0.301, which is neither above nor below the thresholds predicting a damaging or benign impact on NRAS function. In summary, this variant meets the criteria to be classified as uncertain significance for autosomal dominant RASopathy based on the ACMG/AMP criteria applied, as specified by the ClinGen RASopathy VCEP: No codes applied. (ClinGen RASopathy VCEP specifications version 2.3; 12/3/2024)

Labcorp Genetics (formerly Invitae), Labcorp
Classification: Uncertain significance for RASopathy. Last evaluated: 2025-10-05. Review status: criteria provided, single submitter. Criteria: Invitae Variant Classification Sherloc (09022015). Collection method: clinical testing. Allele origin: germline. Not counted in ClinVar's aggregate classification.
Comment: This sequence change replaces alanine, which is neutral and non-polar, with valine, which is neutral and non-polar, at codon 91 of the NRAS protein (p.Ala91Val). This variant is present in population databases (rs774832953, gnomAD 0.02%). This variant has not been reported in the literature in individuals affected with NRAS-related conditions. ClinVar contains an entry for this variant (Variation ID: 1003866). Invitae Evidence Modeling of protein sequence and biophysical properties (such as structural, functional, and spatial information, amino acid conservation, physicochemical variation, residue mobility, and thermodynamic stability) indicates that this missense variant is not expected to disrupt NRAS protein function with a negative predictive value of 95%. In summary, the available evidence is currently insufficient to determine the role of this variant in disease. Therefore, it has been classified as a Variant of Uncertain Significance.

GeneDx
Classification: Likely benign. Last evaluated: 2021-02-23. Review status: criteria provided, single submitter. Criteria: GeneDx Variant Classification Process June 2021. Collection method: clinical testing. Allele origin: germline. Affected: yes. Not counted in ClinVar's aggregate classification.
Comment: This variant is associated with the following publications: (PMID: 30171333)

NM_002524.5(NRAS):c.272C>T (p.Ala91Val)

Gene: NRAS (NRAS proto-oncogene, GTPase; minus strand). Cytogenetic location: 1p13.2.
Variant type: single nucleotide variant.
Coding change: c.272C>T on transcript NM_002524.5 (MANE Select); coding-DNA position 272, C replaced by T.
Protein change: p.Ala91Val; replaces alanine 91 with valine.
Molecular consequence: missense variant.
Genome position (GRCh38, 1-based): chr1:114,713,818, G>A on the plus strand (C>T on the coding strand, the complement: NRAS is on the minus strand). VCF-style: chr1-114713818-G-A. GRCh37 (hg19) VCF-style: chr1-115256439-G-A.
Other names: NM_002524.5(NRAS):c.272C>T; p.Ala91Val; short protein forms A91V.
Identifiers: ClinVar variation 1003866 (VCV001003866.11), dbSNP rs774832953, ClinGen allele CA1020746.